The following is an entry in ClinVar:

NM_017654.4(SAMD9):c.837_846del (p.Gln279fs)

Gene: SAMD9 (sterile alpha motif domain containing 9; minus strand). Cytogenetic location: 7q21.2.
Variant type: Deletion.
Coding change: c.837_846del on transcript NM_017654.4 (MANE Select); coding-DNA positions 837 to 846, 10 bases deleted (AGCAAAGAAG; older notation c.837_846delAGCAAAGAAG).
Protein change: p.Gln279fs; shifts the reading frame from glutamine 279.
Molecular consequence: frameshift variant.
Genome position (GRCh38, 1-based): chr7:93,105,252-93,105,261, CTTCTTTGCT deleted on the plus strand (AGCAAAGAAG on the coding strand, the reverse complement: SAMD9 is on the minus strand). VCF-style (leftmost placement, unchanged base first): chr7-93105251-ACTTCTTTGCT-A. GRCh37 (hg19) VCF-style: chr7-92734564-ACTTCTTTGCT-A.
Other names: c.837_846del, p.Gln279fs (NM_001193307.2); short protein forms Q279fs.
Identifiers: ClinVar variation 1338616 (VCV001338616.5), dbSNP rs1562775994, ClinGen allele CA576706784.

ClinVar aggregate classification (germline): Uncertain significance. Review status: criteria provided, multiple submitters, no conflicts (2 of 4 stars). 2 submissions from 2 submitters: Uncertain significance (2). Last evaluated 2025-08-18.

Allele frequency attached by ClinVar (database versions not stated): gnomAD exomes below 0.00001.

Submissions (2):

Labcorp Genetics (formerly Invitae), Labcorp
Classification: Uncertain significance. Last evaluated: 2025-08-18. Review status: criteria provided, single submitter. Criteria: Invitae Variant Classification Sherloc (09022015). Collection method: clinical testing. Allele origin: germline.
Comment: This sequence change creates a premature translational stop signal (p.Gln279Hisfs*117) in the SAMD9 gene. While this is not anticipated to result in nonsense mediated decay, it is expected to disrupt the last 1311 amino acid(s) of the SAMD9 protein. This variant is present in population databases (no rsID available, gnomAD 0.0009%). This variant has not been reported in the literature in individuals affected with SAMD9-related conditions. ClinVar contains an entry for this variant (Variation ID: 1338616). Experimental studies and prediction algorithms are not available or were not evaluated, and the functional significance of this variant is currently unknown. In summary, the available evidence is currently insufficient to determine the role of this variant in disease. Therefore, it has been classified as a Variant of Uncertain Significance.

Genetic Services Laboratory, University of Chicago
Classification: Uncertain significance. Last evaluated: 2020-12-02. Review status: criteria provided, single submitter. Criteria: ACMG Guidelines, 2015. Collection method: clinical testing. Allele origin: germline. Affected: no.
Comment: DNA sequence analysis of the SAMD9 gene demonstrated a 10 base pair deletion in exon 3, c.837_846del. This deletion is predicted to result in a frameshift and the creation of a premature stop codon 116 amino acids downstream of the change, p.Gln279Hisfs*117. This sequence change has been described in the gnomAD database in one individual with an overall population frequency of 0.0004% (dbSNP rs147441374). The vast majority of germline pathogenic variants described in the SAMD9 gene are missense and are thought to be gain of function variants. Some germline loss of function variants in SAMD9 have been described in patients with myelodysplastic syndrome, most of which are also missense (PMID: 30322869). Truncating variants were described in two patients in PMID 30322869, but one also had a pathogenic missense variant in SAMD9 and the other was identified in several individuals in gnomAD. Due to these contrasting evidences and the lack of functional studies, the clinical significance of this sequence change remains unknown at this time.